The following is an entry in ClinVar:

NM_001177316.2(SLC34A3):c.539G>C (p.Gly180Ala)

Gene: SLC34A3 (solute carrier family 34 member 3; plus strand). Cytogenetic location: 9q34.3.
Variant type: single nucleotide variant.
Coding change: c.539G>C on transcript NM_001177316.2 (MANE Select); coding-DNA position 539, G replaced by C.
Protein change: p.Gly180Ala; replaces glycine 180 with alanine.
Molecular consequence: missense variant.
Genome position (GRCh38, 1-based): chr9:137,233,094, G>C. VCF-style: chr9-137233094-G-C. GRCh37 (hg19) VCF-style: chr9-140127546-G-C.
Other names: c.539G>C, p.Gly180Ala (NM_001177317.2, NM_080877.3); short protein forms G180A.
Identifiers: ClinVar variation 288891 (VCV000288891.29), dbSNP rs35643193, ClinGen allele CA5364449.

ClinVar aggregate classification (germline): Benign/Likely benign. Review status: criteria provided, multiple submitters, no conflicts (2 of 4 stars). 8 submissions from 8 submitters: Benign (4); Likely benign (4). Last evaluated 2026-02-04.

Conditions:
Autosomal recessive hypophosphatemic bone disease (HHRH). Also called: HYPERCALCIURIC RICKETS; Hypophosphatemic rickets with hypercalciuria. Identifiers: Orphanet 157215, MedGen C1853271, MONDO:0009431, OMIM 241530.

Allele frequency attached by ClinVar (database versions not stated): 1000 Genomes Project 30x 0.00859; 1000 Genomes Project 0.00978; TOPMed 0.01154; gnomAD 0.01166 and 0.01167; gnomAD exomes 0.01294; ESP Exome Variant Server 0.01346; ExAC 0.01432.
gnomAD v4.1: 25,092 of 1,610,926 alleles (1.6%); highest among the groups gnomAD compares: Middle Eastern, 2.1%; 242 homozygotes.

Submissions (8):

Labcorp Genetics (formerly Invitae), Labcorp
Classification: Benign. Last evaluated: 2026-02-04. Review status: criteria provided, single submitter. Criteria: Invitae Variant Classification Sherloc (09022015). Collection method: clinical testing. Allele origin: germline.

Center for Genomic Medicine, Rigshospitalet, Copenhagen University Hospital
Classification: Benign. Last evaluated: 2025-12-29. Review status: criteria provided, single submitter. Criteria: ACMG Guidelines, 2015. Collection method: clinical testing. Allele origin: germline.

Blueprint Genetics
Classification: Likely benign. Last evaluated: 2024-11-27. Review status: criteria provided, single submitter. Criteria: ACMG Guidelines, 2015. Collection method: clinical testing. Allele origin: germline.

ARUP Laboratories, Molecular Genetics and Genomics, ARUP Laboratories
Classification: Likely benign for Autosomal recessive hypophosphatemic bone disease. Last evaluated: 2023-11-28. Review status: criteria provided, single submitter. Criteria: ARUP Molecular Germline Variant Investigation Process 2024. Collection method: clinical testing. Allele origin: germline.

Mayo Clinic Laboratories, Mayo Clinic
Classification: Benign. Last evaluated: 2023-08-31. Review status: criteria provided, single submitter. Criteria: ACMG Guidelines, 2015. Collection method: clinical testing. Allele origin: germline. Observed: 2 variant alleles.
Comment: BS1, BS2, BP4

GeneDx
Classification: Likely benign. Last evaluated: 2020-06-17. Review status: criteria provided, single submitter. Criteria: GeneDx Variant Classification Process June 2021. Collection method: clinical testing. Allele origin: germline. Affected: yes.

Eurofins Ntd Llc (ga)
Classification: Benign. Last evaluated: 2016-07-07. Review status: criteria provided, single submitter. Criteria: EGL Classification Definitions 2015. Collection method: clinical testing. Allele origin: germline. Observed: 2 variant alleles, 2 heterozygotes.

Breakthrough Genomics
Classification: Likely benign. Review status: criteria provided, single submitter. Criteria: ACMG Guidelines, 2015. Collection method: not provided. Allele origin: germline. Inheritance: Autosomal recessive inheritance. Affected: yes.